The following is an entry in ClinVar:

NM_000260.4(MYO7A):c.1080+65T>C

Gene: MYO7A (myosin VIIA; plus strand). Cytogenetic location: 11q13.5.
Variant type: single nucleotide variant.
Coding change: c.1080+65T>C on transcript NM_000260.4 (MANE Select); 65 bases into the intron after coding-DNA position 1080, T replaced by C.
Molecular consequence: intron variant.
Genome position (GRCh38, 1-based): chr11:77,159,588, T>C. VCF-style: chr11-77159588-T-C. GRCh37 (hg19) VCF-style: chr11-76870634-T-C.
Other names: c.1047+65T>C (NM_001369365.1); c.1080+65T>C (NM_001127180.2).
Identifiers: ClinVar variation 678821 (VCV000678821.5), dbSNP rs4944145, ClinGen allele CA16422031.

ClinVar aggregate classification (germline): Benign. Review status: criteria provided, multiple submitters, no conflicts (2 of 4 stars). 5 submissions from 3 submitters: Benign (5). Last evaluated 2021-07-01.

Conditions:
Usher syndrome type 1 (USH1). Also called: RETINITIS PIGMENTOSA AND CONGENITAL DEAFNESS. Identifiers: Orphanet 231169, Orphanet 886, MedGen C1568247, MONDO:0010168, OMIM 276900.
Autosomal recessive nonsyndromic hearing loss 2. Also called: DEAFNESS, AUTOSOMAL RECESSIVE 2; NEUROSENSORY NONSYNDROMIC RECESSIVE DEAFNESS 2. Identifiers: Orphanet 90636, MedGen C1838701, MONDO:0010807, OMIM 600060.
Autosomal dominant nonsyndromic hearing loss 11. Identifiers: Orphanet 90635, MedGen C1832475, MONDO:0011032, OMIM 601317.

Allele frequency attached by ClinVar (database versions not stated): gnomAD exomes 0.43471; 1000 Genomes Project 30x 0.43645; 1000 Genomes Project 0.43870; gnomAD 0.45571 and 0.46104; TOPMed 0.46050.
gnomAD v4.1: 658,343 of 1,509,400 alleles (44%); highest among the groups gnomAD compares: Admixed American, 55%; 145,690 homozygotes.

Submissions (5):

Genome-Nilou Lab
Classification: Benign for Autosomal dominant nonsyndromic hearing loss 11. Last evaluated: 2021-07-01. Review status: criteria provided, single submitter. Criteria: ACMG Guidelines, 2015. Collection method: clinical testing. Allele origin: germline. Affected: no.

Genome-Nilou Lab
Classification: Benign for Autosomal recessive nonsyndromic hearing loss 2. Last evaluated: 2021-07-01. Review status: criteria provided, single submitter. Criteria: ACMG Guidelines, 2015. Collection method: clinical testing. Allele origin: germline. Affected: no.

Genome-Nilou Lab
Classification: Benign for Usher syndrome type 1. Last evaluated: 2021-07-01. Review status: criteria provided, single submitter. Criteria: ACMG Guidelines, 2015. Collection method: clinical testing. Allele origin: germline. Affected: no.

GeneDx
Classification: Benign. Last evaluated: 2018-06-13. Review status: criteria provided, single submitter. Criteria: GeneDx Variant Classification (06012015). Collection method: clinical testing. Allele origin: germline. Affected: yes.
Comment: This variant is considered likely benign or benign based on one or more of the following criteria: it is a conservative change, it occurs at a poorly conserved position in the protein, it is predicted to be benign by multiple in silico algorithms, and/or has population frequency not consistent with disease.

Breakthrough Genomics
Classification: Benign. Review status: criteria provided, single submitter. Criteria: ACMG Guidelines, 2015. Collection method: not provided. Allele origin: germline. Inheritance: Autosomal recessive inheritance. Affected: yes.